The following is an entry in ClinVar:

ClinVar aggregate classification (germline): Uncertain significance. Review status: criteria provided, multiple submitters, no conflicts (2 of 4 stars). 2 submissions from 2 submitters: Uncertain significance (2). Last evaluated 2025-11-26.

Conditions:
Hereditary cancer-predisposing syndrome. Also called: Hereditary neoplastic syndrome; Tumor predisposition; Neoplastic Syndromes, Hereditary; Hereditary Cancer Syndrome. Identifiers: Orphanet 140162, MedGen C0027672, MeSH D009386, MONDO:0015356.
Tuberous sclerosis 2 (TSC2). Identifiers: Orphanet 805, MedGen C1860707, MONDO:0013199, OMIM 613254.

Submissions (2):

Ambry Genetics
Classification: Uncertain significance for Hereditary cancer-predisposing syndrome. Last evaluated: 2025-11-26. Review status: criteria provided, single submitter. Criteria: Ambry Variant Classification Scheme 2023. Collection method: clinical testing. Allele origin: germline.
Comment: The p.D1143G variant (also known as c.3428A>G), located in coding exon 29 of the TSC2 gene, results from an A to G substitution at nucleotide position 3428. The aspartic acid at codon 1143 is replaced by glycine, an amino acid with similar properties. This amino acid position is conserved. In addition, this alteration is predicted to be deleterious by in silico analysis. Based on the available evidence, the clinical significance of this variant remains unclear.

Labcorp Genetics (formerly Invitae), Labcorp
Classification: Uncertain significance for Tuberous sclerosis 2. Last evaluated: 2024-12-18. Review status: criteria provided, single submitter. Criteria: Invitae Variant Classification Sherloc (09022015). Collection method: clinical testing. Allele origin: germline.
Comment: This sequence change replaces aspartic acid, which is acidic and polar, with glycine, which is neutral and non-polar, at codon 1143 of the TSC2 protein (p.Asp1143Gly). This variant is not present in population databases (gnomAD no frequency). This variant has not been reported in the literature in individuals affected with TSC2-related conditions. ClinVar contains an entry for this variant (Variation ID: 1477412). Invitae Evidence Modeling of protein sequence and biophysical properties (such as structural, functional, and spatial information, amino acid conservation, physicochemical variation, residue mobility, and thermodynamic stability) indicates that this missense variant is not expected to disrupt TSC2 protein function with a negative predictive value of 95%. In summary, the available evidence is currently insufficient to determine the role of this variant in disease. Therefore, it has been classified as a Variant of Uncertain Significance.

NM_000548.5(TSC2):c.3428A>G (p.Asp1143Gly)

Gene: TSC2 (TSC complex subunit 2; plus strand). Cytogenetic location: 16p13.3.
Variant type: single nucleotide variant.
Coding change: c.3428A>G on transcript NM_000548.5 (MANE Select); coding-DNA position 3428, A replaced by G.
Protein change: p.Asp1143Gly; replaces aspartic acid 1143 with glycine.
Molecular consequence: missense variant.
Genome position (GRCh38, 1-based): chr16:2,080,195, A>G. VCF-style: chr16-2080195-A-G. GRCh37 (hg19) VCF-style: chr16-2130196-A-G.
Other names: c.3296A>G, p.Asp1099Gly (NM_001077183.3, NM_001370404.1); c.3428A>G, p.Asp1143Gly (NM_001114382.3); c.3188A>G, p.Asp1063Gly (NM_001318827.2); c.3152A>G, p.Asp1051Gly (NM_001318829.2); c.2696A>G, p.Asp899Gly (NM_001318831.2); c.3329A>G, p.Asp1110Gly (NM_001318832.2); c.3299A>G, p.Asp1100Gly (NM_001363528.2, NM_001370405.1, NM_021055.3); c.3428A>G (NM_000548.3); short protein forms D1063G, D1099G, D1110G, D1143G, D899G, D1100G, D1051G.
Identifiers: ClinVar variation 1477412 (VCV001477412.8), dbSNP rs796053495, ClinGen allele CA394288563.
Genomic context (GRCh38, chr16:2,080,195, plus strand): 5'-TGGTCACCAGTCCTCTGCCCTCTTCTTCAGGGGGCCATGGTCTTCGAGTTGGCGCCCTGG[A>G]CGTGCCGGCCTCCCAGTTCCTGGGCAGTGCCACTTCTCCAGGACCACGGACTGCACCAGC-3'
Protein context (NP_000539.2, residues 1133-1153): GGHGLRVGAL[Asp1143Gly]VPASQFLGSA